The following is an entry in ClinVar:

NM_201548.5(CERKL):c.982G>A (p.Gly328Arg)

Gene: CERKL (CERK like autophagy regulator; minus strand). Cytogenetic location: 2q31.3.
Variant type: single nucleotide variant.
Coding change: c.982G>A on transcript NM_201548.5 (MANE Select); coding-DNA position 982, G replaced by A.
Protein change: p.Gly328Arg; replaces glycine 328 with arginine.
Molecular consequence: missense variant. On other transcripts: non-coding transcript variant (2).
Genome position (GRCh38, 1-based): chr2:181,548,771, C>T on the plus strand (G>A on the coding strand, the complement: CERKL is on the minus strand). VCF-style: chr2-181548771-C-T. GRCh37 (hg19) VCF-style: chr2-182413498-C-T.
Other names: c.1060G>A, p.Gly354Arg (NM_001030311.3); c.643G>A, p.Gly215Arg (NM_001030312.3); c.775G>A, p.Gly259Arg (NM_001030313.3); c.928G>A, p.Gly310Arg (NM_001160277.2); short protein forms G215R, G259R, G310R, G328R, G354R.
Identifiers: ClinVar variation 1313263 (VCV001313263.6), dbSNP rs375613779, ClinGen allele CA2010597.

ClinVar aggregate classification (germline): Uncertain significance. Review status: criteria provided, multiple submitters, no conflicts (2 of 4 stars). 2 submissions from 2 submitters: Uncertain significance (2). Last evaluated 2022-04-01.

Allele frequency attached by ClinVar (database versions not stated): gnomAD exomes below 0.00001 and 0.00001; gnomAD 0.00001; ExAC 0.00002; TOPMed 0.00003; ESP Exome Variant Server 0.00008.
gnomAD v4.1: 3 of 1,613,900 alleles (0.00019%); highest among the groups gnomAD compares: African/African-American, 0.0027%; no homozygotes.

Submissions (2):

Labcorp Genetics (formerly Invitae), Labcorp
Classification: Uncertain significance. Last evaluated: 2022-04-01. Review status: criteria provided, single submitter. Criteria: Invitae Variant Classification Sherloc (09022015). Collection method: clinical testing. Allele origin: germline.
Comment: This sequence change replaces glycine, which is neutral and non-polar, with arginine, which is basic and polar, at codon 354 of the CERKL protein (p.Gly354Arg). This variant is present in population databases (rs375613779, gnomAD 0.01%). This variant has not been reported in the literature in individuals affected with CERKL-related conditions. ClinVar contains an entry for this variant (Variation ID: 1313263). Algorithms developed to predict the effect of missense changes on protein structure and function (SIFT, PolyPhen-2, Align-GVGD) all suggest that this variant is likely to be disruptive. In summary, the available evidence is currently insufficient to determine the role of this variant in disease. Therefore, it has been classified as a Variant of Uncertain Significance.

GeneDx
Classification: Uncertain significance. Last evaluated: 2020-10-15. Review status: criteria provided, single submitter. Criteria: GeneDx Variant Classification Process June 2021. Collection method: clinical testing. Allele origin: germline. Affected: yes.
Comment: In silico analysis supports that this missense variant has a deleterious effect on protein structure/function; In-silico splice analysis, is inconclusive as to whether the variant alters gene splicing. In the absence of RNA/functional studies, the actual effect of this sequence change is unknown.; Has not been previously published as pathogenic or benign to our knowledge